The following is an entry in ClinVar:

NM_000069.3(CACNA1S):c.900+14C>T

Gene: CACNA1S (calcium voltage-gated channel subunit alpha1 S; minus strand). Cytogenetic location: 1q32.1.
Variant type: single nucleotide variant.
Coding change: c.900+14C>T on transcript NM_000069.3 (MANE Select); 14 bases into the intron after coding-DNA position 900, C replaced by T.
Molecular consequence: intron variant.
Genome position (GRCh38, 1-based): chr1:201,089,244, G>A on the plus strand (C>T on the coding strand, the complement: CACNA1S is on the minus strand). VCF-style: chr1-201089244-G-A. GRCh37 (hg19) VCF-style: chr1-201058372-G-A.
Identifiers: ClinVar variation 513472 (VCV000513472.12), dbSNP rs377170574, ClinGen allele CA084036.

ClinVar aggregate classification (germline): Benign/Likely benign. Review status: criteria provided, multiple submitters, no conflicts (2 of 4 stars). 8 submissions from 5 submitters: Benign (5); Likely benign (3). Last evaluated 2026-01-06.

Conditions:
Malignant hyperthermia, susceptibility to, 5 (MHS5). Also called: CACNA1S-Related Malignant Hyperthermia Susceptibility. Identifiers: Orphanet 423, MedGen C1866077, MONDO:0011163, OMIM 601887.
Hypokalemic periodic paralysis, type 1. Also called: HypoPP; Hypokalemic Periodic Paralysis Type 1 (AD). Identifiers: Orphanet 681, MedGen C3714580, MONDO:0042979, OMIM 170400.
Congenital myopathy 18. Also called: Myopathy, congenital, due to dihydropyridine receptor defect; DIHYDROPYRIDINE RECEPTOR CONGENITAL MYOPATHY; DHPR CONGENITAL MYOPATHY. Identifiers: MedGen C5830283, MONDO:0859514, OMIM 620246.
Thyrotoxic periodic paralysis, susceptibility to, 1 (TTPP1). Identifiers: Orphanet 79102, MedGen C2749982, MONDO:0008570, OMIM 188580.

Allele frequency attached by ClinVar (database versions not stated): gnomAD exomes 0.00018; ExAC 0.00024; gnomAD 0.00088 and 0.00093; TOPMed 0.00095; 1000 Genomes Project 0.00120; 1000 Genomes Project 30x 0.00125; ESP Exome Variant Server 0.00131.
gnomAD v4.1: 264 of 1,613,236 alleles (0.016%); highest among the groups gnomAD compares: African/African-American, 0.29%; no homozygotes.

Submissions (8):

Labcorp Genetics (formerly Invitae), Labcorp
Classification: Benign for Hypokalemic periodic paralysis, type 1; Malignant hyperthermia, susceptibility to, 5. Last evaluated: 2026-01-06. Review status: criteria provided, single submitter. Criteria: Invitae Variant Classification Sherloc (09022015). Collection method: clinical testing. Allele origin: germline.

Blueprint Genetics
Classification: Likely benign. Last evaluated: 2023-06-29. Review status: criteria provided, single submitter. Criteria: ACMG Guidelines, 2015. Collection method: clinical testing. Allele origin: germline.

Genome-Nilou Lab
Classification: Benign for Malignant hyperthermia, susceptibility to, 5. Last evaluated: 2023-04-11. Review status: criteria provided, single submitter. Criteria: ACMG Guidelines, 2015. Collection method: clinical testing. Allele origin: germline. Affected: no.

Genome-Nilou Lab
Classification: Benign for Thyrotoxic periodic paralysis, susceptibility to, 1. Last evaluated: 2023-04-11. Review status: criteria provided, single submitter. Criteria: ACMG Guidelines, 2015. Collection method: clinical testing. Allele origin: germline. Affected: no.

Genome-Nilou Lab
Classification: Benign for Congenital myopathy 18. Last evaluated: 2023-04-11. Review status: criteria provided, single submitter. Criteria: ACMG Guidelines, 2015. Collection method: clinical testing. Allele origin: germline. Affected: no.

Genome-Nilou Lab
Classification: Benign for Hypokalemic periodic paralysis, type 1. Last evaluated: 2023-04-11. Review status: criteria provided, single submitter. Criteria: ACMG Guidelines, 2015. Collection method: clinical testing. Allele origin: germline. Affected: no.

Fulgent Genetics
Classification: Likely benign for Hypokalemic periodic paralysis, type 1; Thyrotoxic periodic paralysis, susceptibility to, 1; Malignant hyperthermia, susceptibility to, 5. Last evaluated: 2021-08-20. Review status: criteria provided, single submitter. Criteria: ACMG Guidelines, 2015. Collection method: clinical testing. Allele origin: unknown.

GeneDx
Classification: Likely benign. Last evaluated: 2017-11-21. Review status: criteria provided, single submitter. Criteria: GeneDx Variant Classification (06012015). Collection method: clinical testing. Allele origin: germline. Affected: yes.
Comment: This variant is considered likely benign or benign based on one or more of the following criteria: it is a conservative change, it occurs at a poorly conserved position in the protein, it is predicted to be benign by multiple in silico algorithms, and/or has population frequency not consistent with disease.